The following is an entry in ClinVar:

NM_002336.3(LRP6):c.1772C>G (p.Pro591Arg)

Gene: LRP6 (LDL receptor related protein 6; minus strand). Cytogenetic location: 12p13.2.
Variant type: single nucleotide variant.
Coding change: c.1772C>G on transcript NM_002336.3 (MANE Select); coding-DNA position 1772, C replaced by G.
Protein change: p.Pro591Arg; replaces proline 591 with arginine.
Molecular consequence: missense variant.
Genome position (GRCh38, 1-based): chr12:12,164,553, G>C on the plus strand (C>G on the coding strand, the complement: LRP6 is on the minus strand). VCF-style: chr12-12164553-G-C. GRCh37 (hg19) VCF-style: chr12-12317487-G-C.
Other names: c.1772C>G, p.Pro591Arg (NM_001414245.1, NM_001414246.1, NM_001414248.1 and 4 more transcripts); c.1574C>G, p.Pro525Arg (NM_001414247.1); c.1319C>G, p.Pro440Arg (NM_001414252.1, NM_001414253.1, NM_001414254.1); short protein forms P440R, P525R, P591R.
Identifiers: ClinVar variation 2080833 (VCV002080833.4), dbSNP rs747337245, ClinGen allele CA6455584.

ClinVar aggregate classification (germline): Uncertain significance (1 of 4 stars; one submission).

Allele frequency attached by ClinVar (database versions not stated): gnomAD exomes 0.00002; ExAC 0.00001; gnomAD 0.00002.
gnomAD v4.1: 25 of 1,613,934 alleles (0.0015%); highest among the groups gnomAD compares: Non-Finnish European, 0.0021%; no homozygotes.

Submission:

Labcorp Genetics (formerly Invitae), Labcorp
Classification: Uncertain significance. Last evaluated: 2022-06-22. Review status: criteria provided, single submitter. Criteria: Invitae Variant Classification Sherloc (09022015). Collection method: clinical testing. Allele origin: germline.
Comment: In summary, the available evidence is currently insufficient to determine the role of this variant in disease. Therefore, it has been classified as a Variant of Uncertain Significance. Algorithms developed to predict the effect of missense changes on protein structure and function (SIFT, PolyPhen-2, Align-GVGD) all suggest that this variant is likely to be disruptive. This variant has not been reported in the literature in individuals affected with LRP6-related conditions. This variant is present in population databases (rs747337245, gnomAD 0.002%). This sequence change replaces proline, which is neutral and non-polar, with arginine, which is basic and polar, at codon 591 of the LRP6 protein (p.Pro591Arg).